The following is an entry in ClinVar:

NM_000268.4(NF2):c.114+20G>T

Gene: NF2 (NF2, moesin-ezrin-radixin like (MERLIN) tumor suppressor; plus strand). Cytogenetic location: 22q12.2.
Variant type: single nucleotide variant.
Coding change: c.114+20G>T on transcript NM_000268.4 (MANE Select); 20 bases into the intron after coding-DNA position 114, G replaced by T.
Molecular consequence: intron variant.
Genome position (GRCh38, 1-based): chr22:29,604,132, G>T. VCF-style: chr22-29604132-G-T. GRCh37 (hg19) VCF-style: chr22-30000121-G-T.
Other names: c.114+20G>T (NM_016418.5, NM_181832.3, NM_181833.3 and 5 more transcripts).
Identifiers: ClinVar variation 391964 (VCV000391964.13), dbSNP rs746868503, ClinGen allele CA029973.

ClinVar aggregate classification (germline): Benign/Likely benign. Review status: criteria provided, multiple submitters, no conflicts (2 of 4 stars). 5 submissions from 5 submitters: Benign (1); Likely benign (4). Last evaluated 2026-01-25.

Conditions:
Neurofibromatosis, type 2 (SWNV). Also called: BILATERAL ACOUSTIC NEUROFIBROMATOSIS; NF2-Related Schwannomatosis; SCHWANNOMATOSIS, VESTIBULAR. Identifiers: Orphanet 637, MedGen C0027832, MONDO:0007039, OMIM 101000. Disease mechanism: loss of function.
Familial meningioma. Also called: Meningioma, familial, susceptibility to. Identifiers: Orphanet 263662, MedGen C3551915, MONDO:0011789, OMIM 607174.
SMARCB1-related schwannomatosis. Also called: Schwannomatosis 1; SWNTS1. Identifiers: Orphanet 93921, MedGen C4048809, MONDO:0024517, OMIM 162091. Disease mechanism: loss of function.

Allele frequency attached by ClinVar (database versions not stated): TOPMed 0.00011; gnomAD 0.00014 and 0.00016; ExAC 0.00021.
gnomAD v4.1: 138 of 1,564,140 alleles (0.0088%); highest among the groups gnomAD compares: Non-Finnish European, 0.0052%; no homozygotes.

Submissions (5):

Labcorp Genetics (formerly Invitae), Labcorp
Classification: Benign for Neurofibromatosis, type 2. Last evaluated: 2026-01-25. Review status: criteria provided, single submitter. Criteria: Invitae Variant Classification Sherloc (09022015). Collection method: clinical testing. Allele origin: germline.

Center for Genomic Medicine, Rigshospitalet, Copenhagen University Hospital
Classification: Likely benign. Last evaluated: 2025-03-04. Review status: criteria provided, single submitter. Criteria: ACMG Guidelines, 2015. Collection method: clinical testing. Allele origin: germline.

Blueprint Genetics
Classification: Likely benign. Last evaluated: 2024-10-28. Review status: criteria provided, single submitter. Criteria: ACMG Guidelines, 2015. Collection method: clinical testing. Allele origin: germline.

Fulgent Genetics
Classification: Likely benign for Neurofibromatosis, type 2; SMARCB1-related schwannomatosis; Familial meningioma. Last evaluated: 2022-05-24. Review status: criteria provided, single submitter. Criteria: ACMG Guidelines, 2015. Collection method: clinical testing. Allele origin: unknown.

GeneDx
Classification: Likely benign. Last evaluated: 2016-12-20. Review status: criteria provided, single submitter. Criteria: GeneDx Variant Classification (06012015). Collection method: clinical testing. Allele origin: germline. Affected: yes.
Comment: This variant is considered likely benign or benign based on one or more of the following criteria: it is a conservative change, it occurs at a poorly conserved position in the protein, it is predicted to be benign by multiple in silico algorithms, and/or has population frequency not consistent with disease.